The following is an entry in ClinVar:

ClinVar aggregate classification (germline): Pathogenic. Review status: criteria provided, multiple submitters, no conflicts (2 of 4 stars). 5 submissions from 5 submitters: Pathogenic (5). Last evaluated 2025-10-21.

Conditions:
SKIN/HAIR/EYE PIGMENTATION 5, BLACK/NONBLACK HAIR (SHEP5). Also called: SKIN/HAIR/EYE PIGMENTATION 5, DARK/FAIR SKIN; SKIN/HAIR/EYE PIGMENTATION 5, DARK/LIGHT EYES; SKIN/HAIR/EYE PIGMENTATION, VARIATION IN, 5. Identifiers: MedGen C2673584, OMIM 227240.
Oculocutaneous albinism type 4 (OCA4). Also called: Albinism, oculocutaneous, type IV. Identifiers: Orphanet 79435, MedGen C1847836, MONDO:0011683, OMIM 606574.
SLC45A2-related disorder. Also called: SLC45A2-related condition.

Submissions (5):

Labcorp Genetics (formerly Invitae), Labcorp
Classification: Pathogenic. Last evaluated: 2025-10-21. Review status: criteria provided, single submitter. Criteria: Invitae Variant Classification Sherloc (09022015). Collection method: clinical testing. Allele origin: germline.
Comment: This sequence change creates a premature translational stop signal (p.Leu425Trpfs*9) in the SLC45A2 gene. It is expected to result in an absent or disrupted protein product. Loss-of-function variants in SLC45A2 are known to be pathogenic (PMID: 21458243, 26573111). This variant is present in population databases (rs759411189, gnomAD 0.007%). This premature translational stop signal has been observed in individual(s) with clinical features of SLC45A2 related conditions (PMID: 26818737, 31077556). ClinVar contains an entry for this variant (Variation ID: 209971). Algorithms developed to predict the effect of sequence changes on RNA splicing suggest that this variant may disrupt the consensus splice site. For these reasons, this variant has been classified as Pathogenic.

GeneDx
Classification: Pathogenic. Last evaluated: 2025-03-12. Review status: criteria provided, single submitter. Criteria: GeneDx Variant Classification Process June 2021. Collection method: clinical testing. Allele origin: germline. Affected: yes.
Comment: Observed in homozygous state or in the presence of a second SLC45A2 variant in multiple unrelated patients with oculocutaneous albinism in the literature and not observed in homozygous state in controls (PMID: 26818737, 31077556, 28976636); Frameshift variant predicted to result in protein truncation or nonsense mediated decay in a gene for which loss of function is a known mechanism of disease; This variant is associated with the following publications: (PMID: 38337174, 36553465, 26818737, 31077556, 28976636)

PreventionGenetics, part of Exact Sciences
Classification: Pathogenic for SLC45A2-related condition. Last evaluated: 2024-10-24. Review status: criteria provided, single submitter. Criteria: ACMG Guidelines, 2015. Collection method: clinical testing. Allele origin: germline.
Comment: The SLC45A2 c.1273delC variant is predicted to result in a frameshift and premature protein termination (p.Leu425Trpfs*9). This variant has been reported in the homozygous and compound heterozygous states in individuals with oculocutaneous albinism (Khordadpoor-Deilamani et al. 2016. PubMed ID: 26818737; Marti et al. 2017. PubMed ID: 28976636; Zhong et al. 2019. PubMed ID: 31077556). This variant is reported in 0.0062% of alleles in individuals of African descent in gnomAD. Frameshift variants in SLC45A2 are an established mechanism of disease. This variant is interpreted as pathogenic.

Fulgent Genetics
Classification: Pathogenic for SKIN/HAIR/EYE PIGMENTATION 5, BLACK/NONBLACK HAIR; Oculocutaneous albinism type 4. Last evaluated: 2024-06-11. Review status: criteria provided, single submitter. Criteria: ACMG Guidelines, 2015. Collection method: clinical testing. Allele origin: germline.

Science and Research Branch, Islamic Azad University, Islamic Azad University
Classification: Pathogenic for OCA4. Last evaluated: 2015-07-15. Review status: criteria provided, single submitter. Criteria: Submitter's publication. Collection method: clinical testing. Allele origin: germline. Affected: yes. Observed: 1 variant allele.

Literature cited by the submitters: PubMed 21458243 (cited by Labcorp Genetics (formerly Invitae), Labcorp); PubMed 26573111 (cited by Labcorp Genetics (formerly Invitae), Labcorp); PubMed 26818737 (cited by Labcorp Genetics (formerly Invitae), Labcorp and Science and Research Branch, Islamic Azad University, Islamic Azad University); PubMed 31077556 (cited by Labcorp Genetics (formerly Invitae), Labcorp).

NM_016180.5(SLC45A2):c.1273del (p.Leu425fs)

Gene: SLC45A2 (solute carrier family 45 member 2; minus strand). Cytogenetic location: 5p13.2.
Variant type: Deletion.
Coding change: c.1273del on transcript NM_016180.5 (MANE Select); coding-DNA position 1273, one base deleted (C; older notation c.1273delC).
Protein change: p.Leu425fs; shifts the reading frame from leucine 425.
Molecular consequence: frameshift variant.
Genome position (GRCh38, 1-based): chr5:33,947,258, G deleted on the plus strand (C on the coding strand, the reverse complement: SLC45A2 is on the minus strand); the first of 3 consecutive G bases (chr5:33,947,258-33,947,260); deleting any one gives the same sequence. VCF-style (leftmost placement, unchanged base first): chr5-33947257-AG-A. GRCh37 (hg19) VCF-style: chr5-33947362-AG-A.
Other names: c.1273del, p.Leu425fs (NM_001012509.4); c.1273del (NM_016180.3); c.1273delC (NM_016180.4); short protein forms L425fs.
Identifiers: ClinVar variation 209971 (VCV000209971.7), dbSNP rs759411189, ClinGen allele CA3225507.
Genomic context (GRCh38, chr5:33,947,257, plus strand): 5'-AGGTTAAAGGGCACAGTGTACAGGGTGCTGGACATTACACCAAACAGGCTGCACAGGACC[AG>A]GGTGGAGTAGACATTCGGGAAGAGCCCAATAAATCCCGTCCCCAGGCCAAACAGCAAATA-3'